The following is an entry in ClinVar:

ClinVar aggregate classification (germline): Uncertain significance. Review status: criteria provided, multiple submitters, no conflicts (2 of 4 stars). 2 submissions from 2 submitters: Uncertain significance (2). Last evaluated 2025-05-19.

Allele frequency attached by ClinVar (database versions not stated): ExAC 0.00005; ESP Exome Variant Server 0.00008.
gnomAD v4.1: 2 of 1,554,334 alleles (0.00013%); highest among the groups gnomAD compares: Non-Finnish European, 0.00017%; no homozygotes.

Submissions (2):

Ambry Genetics
Classification: Uncertain significance. Last evaluated: 2025-05-19. Review status: criteria provided, single submitter. Criteria: Ambry Variant Classification Scheme 2023. Collection method: clinical testing. Allele origin: germline.

Labcorp Genetics (formerly Invitae), Labcorp
Classification: Uncertain significance. Last evaluated: 2022-09-27. Review status: criteria provided, single submitter. Criteria: Invitae Variant Classification Sherloc (09022015). Collection method: clinical testing. Allele origin: germline.
Comment: In summary, the available evidence is currently insufficient to determine the role of this variant in disease. Therefore, it has been classified as a Variant of Uncertain Significance. Algorithms developed to predict the effect of missense changes on protein structure and function are either unavailable or do not agree on the potential impact of this missense change (SIFT: "Not Available"; PolyPhen-2: "Possibly Damaging"; Align-GVGD: "Not Available"). This variant has not been reported in the literature in individuals affected with CEP250-related conditions. The frequency data for this variant in the population databases is considered unreliable, as metrics indicate poor data quality at this position in the gnomAD database. This sequence change replaces arginine, which is basic and polar, with leucine, which is neutral and non-polar, at codon 2307 of the CEP250 protein (p.Arg2307Leu).

NM_007186.6(CEP250):c.6920G>T (p.Arg2307Leu)

Gene: CEP250 (centrosomal protein 250; plus strand). Cytogenetic location: 20q11.22.
Variant type: single nucleotide variant.
Coding change: c.6920G>T on transcript NM_007186.6 (MANE Select); coding-DNA position 6920, G replaced by T.
Protein change: p.Arg2307Leu; replaces arginine 2307 with leucine.
Molecular consequence: missense variant.
Genome position (GRCh38, 1-based): chr20:35,508,956, G>T. VCF-style: chr20-35508956-G-T. GRCh37 (hg19) VCF-style: chr20-34096785-G-T.
Other names: c.6920G>T (NM_007186.3); c.5024G>T, p.Arg1675Leu (NM_001318219.1); short protein forms R2307L, R1675L.
Identifiers: ClinVar variation 2016482 (VCV002016482.5), dbSNP rs367904996, ClinGen allele CA9834193.
Genomic context (GRCh38, chr20:35,508,956, plus strand): 5'-ACCACAGAGCCAAGCCGAGCCCTGATTTCTTATTTGCACCTTGGCAGGTGGAGCGAGAAC[G>T]GAGGAAGCTGAAGAGGGAGGCCATGCGTGCGGCCCAGGCAGGGTCCCTAGAGATCAGCAA-3'
Protein context (NP_009117.2, residues 2297-2317): RSTLEQVERE[Arg2307Leu]RKLKREAMRA